The following is an entry in ClinVar:

NM_004380.3(CREBBP):c.6137C>T (p.Ala2046Val)

Gene: CREBBP (CREB binding lysine acetyltransferase; minus strand). Cytogenetic location: 16p13.3.
Variant type: single nucleotide variant.
Coding change: c.6137C>T on transcript NM_004380.3 (MANE Select); coding-DNA position 6137, C replaced by T.
Protein change: p.Ala2046Val; replaces alanine 2046 with valine.
Molecular consequence: missense variant.
Genome position (GRCh38, 1-based): chr16:3,728,910, G>A on the plus strand (C>T on the coding strand, the complement: CREBBP is on the minus strand). VCF-style: chr16-3728910-G-A. GRCh37 (hg19) VCF-style: chr16-3778911-G-A.
Other names: c.6023C>T, p.Ala2008Val (NM_001079846.1); short protein forms A2008V, A2046V.
Identifiers: ClinVar variation 1751812 (VCV001751812.9), dbSNP rs753688167, ClinGen allele CA7869177.

ClinVar aggregate classification (germline): Conflicting classifications of pathogenicity. Review status: criteria provided, conflicting classifications (1 of 4 stars). 4 submissions from 4 submitters: Uncertain significance (3); Benign (1). Last evaluated 2025-12-23.

Conditions:
Rubinstein-Taybi syndrome due to CREBBP mutations (RSTS1). Also called: RUBINSTEIN SYNDROME; Rubinstein-Taybi syndrome 1; RUBINSTEIN-TAYBI SYNDROME 1, INCOMPLETE; BROAD THUMB-HALLUX SYNDROME; CREBBP-Related Rubinstein-Taybi Syndrome; BROAD THUMBS AND GREAT TOES, CHARACTERISTIC FACIES, AND IMPAIRED INTELLECTUAL DEVELOPMENT. Identifiers: Orphanet 353277, Orphanet 783, MedGen C4551859, MONDO:0008393, OMIM 180849.
Menke-Hennekam syndrome 1 (MKHK1). Identifiers: MedGen C5193034, MONDO:0020763, OMIM 618332.
Inborn genetic diseases. Identifiers: MedGen C0950123, MeSH D030342.
CREBBP-related disorder. Also called: CREBBP-related condition; CREBBP-related disorders.
Rubinstein-Taybi syndrome (RSTS). Identifiers: Orphanet 783, MedGen C0035934, MONDO:0019188.

Allele frequency attached by ClinVar (database versions not stated): gnomAD 0.00001; TOPMed 0.00001.
gnomAD v4.1: 32 of 1,606,616 alleles (0.002%); highest among the groups gnomAD compares: South Asian, 0.014%; no homozygotes.

Submissions (4):

Labcorp Genetics (formerly Invitae), Labcorp
Classification: Benign for Rubinstein-Taybi syndrome. Last evaluated: 2025-12-23. Review status: criteria provided, single submitter. Criteria: Invitae Variant Classification Sherloc (09022015). Collection method: clinical testing. Allele origin: germline.

PreventionGenetics, part of Exact Sciences
Classification: Uncertain significance for CREBBP-related condition. Last evaluated: 2025-07-02. Review status: criteria provided, single submitter. Criteria: ACMG Guidelines, 2015. Collection method: clinical testing. Allele origin: germline.
Comment: The CREBBP c.6137C>T variant is predicted to result in the amino acid substitution p.Ala2046Val. This variant was reported as a de novo variant in one clinical exome sequencing case, where a likely pathogenic de novo variant in SMC3 was also identified (Table 1, Yuan. 2018. PubMed ID: 30158690). This variant is reported in 0.0066% of alleles in individuals of South Asian descent in gnomAD. Although we suspect that this variant may be benign, the clinical significance of this variant is classified as uncertain at this time due to insufficient functional and genetic evidence.

Fulgent Genetics
Classification: Uncertain significance for Rubinstein-Taybi syndrome due to CREBBP mutations; Menke-Hennekam syndrome 1. Last evaluated: 2024-04-01. Review status: criteria provided, single submitter. Criteria: ACMG Guidelines, 2015. Collection method: clinical testing. Allele origin: germline.

Ambry Genetics
Classification: Uncertain significance for Inborn genetic diseases. Last evaluated: 2017-08-31. Review status: criteria provided, single submitter. Criteria: Ambry Variant Classification Scheme 2023. Collection method: clinical testing. Allele origin: germline.
Comment: The p.A2046V variant (also known as c.6137C>T), located in coding exon 31 of the CREBBP gene, results from a C to T substitution at nucleotide position 6137. The alanine at codon 2046 is replaced by valine, an amino acid with similar properties. This amino acid position is not well conserved in available vertebrate species. In addition, this alteration is predicted to be tolerated by in silico analysis. Since supporting evidence is limited at this time, the clinical significance of this alteration remains unclear.